The following is an entry in ClinVar:

NM_006393.3(NEBL):c.1721T>C (p.Ile574Thr)

Gene: NEBL (nebulette; minus strand). Cytogenetic location: 10p12.31.
Variant type: single nucleotide variant.
Coding change: c.1721T>C on transcript NM_006393.3 (MANE Select); coding-DNA position 1721, T replaced by C.
Protein change: p.Ile574Thr; replaces isoleucine 574 with threonine.
Molecular consequence: missense variant. On other transcripts: intron variant (9).
Genome position (GRCh38, 1-based): chr10:20,828,585, A>G on the plus strand (T>C on the coding strand, the complement: NEBL is on the minus strand). VCF-style: chr10-20828585-A-G. GRCh37 (hg19) VCF-style: chr10-21117514-A-G.
Other names: c.250-15645T>C (NM_001377326.1, NM_001377327.1, NM_001377328.1); c.358-15645T>C (NM_213569.2, NM_001173484.2, NM_001377322.1); c.301-15645T>C (NM_001377324.1); c.292-15645T>C (NM_001377325.1); c.310-15645T>C (NM_001377323.1); short protein forms I574T.
Identifiers: ClinVar variation 546081 (VCV000546081.14), dbSNP rs754884291, ClinGen allele CA5432767.

ClinVar aggregate classification (germline): Uncertain significance. Review status: criteria provided, multiple submitters, no conflicts (2 of 4 stars). 3 submissions from 3 submitters: Uncertain significance (3). Last evaluated 2025-11-26.

Conditions:
Primary dilated cardiomyopathy (DCM). Also called: Dilated Cardiomyopathy. Identifiers: Orphanet 217604, MedGen C0007193, MeSH D002311, MONDO:0005021, HP:0001644. Inheritance: Various modes of inheritance.

Allele frequency attached by ClinVar (database versions not stated): ExAC 0.00001; gnomAD 0.00006 and 0.00005; gnomAD exomes 0.00001; TOPMed 0.00003.
gnomAD v4.1: 15 of 1,595,772 alleles (0.00094%); highest among the groups gnomAD compares: African/African-American, 0.016%; no homozygotes.

Submissions (3):

Ambry Genetics
Classification: Uncertain significance. Last evaluated: 2025-11-26. Review status: criteria provided, single submitter. Criteria: Ambry Variant Classification Scheme 2023. Collection method: clinical testing. Allele origin: germline.

Labcorp Genetics (formerly Invitae), Labcorp
Classification: Uncertain significance for Primary dilated cardiomyopathy. Last evaluated: 2023-04-22. Review status: criteria provided, single submitter. Criteria: Invitae Variant Classification Sherloc (09022015). Collection method: clinical testing. Allele origin: germline.
Comment: In summary, the available evidence is currently insufficient to determine the role of this variant in disease. Therefore, it has been classified as a Variant of Uncertain Significance. An algorithm developed to predict the effect of missense changes on protein structure and function (PolyPhen-2) suggests that this variant is likely to be tolerated. ClinVar contains an entry for this variant (Variation ID: 546081). This variant has not been reported in the literature in individuals affected with NEBL-related conditions. This variant is present in population databases (rs754884291, gnomAD 0.01%). This sequence change replaces isoleucine, which is neutral and non-polar, with threonine, which is neutral and polar, at codon 574 of the NEBL protein (p.Ile574Thr).

GeneDx
Classification: Uncertain significance. Last evaluated: 2018-04-05. Review status: criteria provided, single submitter. Criteria: GeneDx Variant Classification (06012015). Collection method: clinical testing. Allele origin: germline. Affected: yes.
Comment: A variant of uncertain significance has been identified in the NEBL gene. The I574T variant has not been published as pathogenic or been reported as benign to our knowledge. This variant is observed in 3/245436 (0.0012%) alleles from individuals of multiple ethnic backgrounds in large population cohorts (Lek et al., 2016). The I574T variant is a non-conservative amino acid substitution, which is likely to impact secondary protein structure as these residues differ in polarity, charge, size and/or other properties. However, in-silico analyses, including protein predictors and evolutionary conservation, support that this variant does not alter protein structure/function. Therefore, based on the currently available information, it is unclear whether this variant is pathogenic or rare benign.